The following is an entry in ClinVar:

ClinVar aggregate classification (germline): Pathogenic/Likely pathogenic. Review status: criteria provided, multiple submitters, no conflicts (2 of 4 stars). 5 submissions from 5 submitters: Pathogenic (2); Likely pathogenic (3). Last evaluated 2026-09-10.

Conditions:
OTOGL-related disorder. Also called: OTOGL-related condition.
Rare genetic deafness. Identifiers: Orphanet 96210, MedGen C5680250.

Allele frequency attached by ClinVar (database versions not stated): gnomAD exomes below 0.00001 and 0.00001; ExAC 0.00001; TOPMed 0.00001.

Submissions (5):

PreventionGenetics, part of Exact Sciences
Classification: Likely pathogenic for OTOGL-related condition. Last evaluated: 2026-09-10. Review status: criteria provided, single submitter. Criteria: ACMG Guidelines, 2015. Collection method: clinical testing. Allele origin: germline.
Comment: The OTOGL c.4314delG variant is predicted to result in a frameshift and premature protein termination (p.Met1438Ilefs*7). To our knowledge, this variant has not been reported in the literature. This variant is reported in 0.0031% of alleles in individuals of European (Non-Finnish) descent in gnomAD. Frameshift variants in OTOGL are expected to be pathogenic. This variant is interpreted as likely pathogenic.

GeneDx
Classification: Pathogenic. Last evaluated: 2024-09-27. Review status: criteria provided, single submitter. Criteria: GeneDx Variant Classification Process June 2021. Collection method: clinical testing. Allele origin: germline. Affected: yes.
Comment: Frameshift variant predicted to result in protein truncation or nonsense mediated decay in a gene for which loss-of-function is a known mechanism of disease; Not observed at significant frequency in large population cohorts (gnomAD); Has not been previously published as pathogenic or benign to our knowledge

Blueprint Genetics
Classification: Likely pathogenic for OTOGL-related disorders. Last evaluated: 2024-09-24. Review status: criteria provided, single submitter. Criteria: ACMG Guidelines, 2015. Collection method: clinical testing. Allele origin: germline. Affected: yes. Observed: 3 variant alleles.

Labcorp Genetics (formerly Invitae), Labcorp
Classification: Pathogenic. Last evaluated: 2021-03-26. Review status: criteria provided, single submitter. Criteria: Invitae Variant Classification Sherloc (09022015). Collection method: clinical testing. Allele origin: germline.
Comment: For these reasons, this variant has been classified as Pathogenic. This variant has not been reported in the literature in individuals with OTOGL-related conditions. ClinVar contains an entry for this variant (Variation ID: 817774). This variant is present in population databases (rs766971906, ExAC 0.002%). This sequence change creates a premature translational stop signal (p.Met1438Ilefs*7) in the OTOGL gene. It is expected to result in an absent or disrupted protein product. Loss-of-function variants in OTOGL are known to be pathogenic (PMID: 23122586).

Laboratory for Molecular Medicine, Mass General Brigham Personalized Medicine
Classification: Likely pathogenic for Rare genetic deafness. Last evaluated: 2020-08-14. Review status: criteria provided, single submitter. Criteria: LMM Criteria. Collection method: clinical testing. Allele origin: germline. Inheritance: Autosomal recessive inheritance. Observed: 1 variant allele.
Comment: The p.Met1438IlefsX7 variant in OTOGL has not been previously reported in individuals with hearing loss but has been identified in 0.003% (3/95408) of European chromosomes by gnomAD. However, this frequency is low enough to be consistent with a recessive allele frequency. This variant has been reported in ClinVar (Variation ID 817774). This variant is predicted to cause a frameshift, which alters the proteinâ€™s amino acid sequence beginning at position 1438 and leads to a premature termination codon 7 amino acids downstream. This alteration is then predicted to lead to a truncated or absent protein. Loss of function of the OTOGL gene is an established disease mechanism in autosomal recessive sensorineural hearing loss. In summary, although additional studies are required to fully establish its clinical significance, this variant meets criteria to be classified as likely pathogenic for autosomal recessive sensorineural hearing loss. ACMG/AMP Criteria applied: PVS1, PM2.

Literature cited by the submitters: PubMed 23122586 (cited by Labcorp Genetics (formerly Invitae), Labcorp).

NM_001378609.3(OTOGL):c.4341del (p.Met1447fs)

Gene: OTOGL (otogelin like; plus strand). Cytogenetic location: 12q21.31.
Variant type: Deletion.
Coding change: c.4341del on transcript NM_001378609.3 (MANE Select); coding-DNA position 4341, one base deleted (G; older notation c.4341delG).
Protein change: p.Met1447fs; shifts the reading frame from methionine 1447.
Molecular consequence: frameshift variant.
Genome position (GRCh38, 1-based): chr12:80,329,112, G deleted. VCF-style (leftmost placement, unchanged base first): chr12-80329111-TG-T. GRCh37 (hg19) VCF-style: chr12-80722891-TG-T.
Other names: c.4314delG (NM_173591.3); c.4206del, p.Met1402fs (NM_001368062.3); c.4341del, p.Met1447fs (NM_001378610.3, NM_173591.7); short protein forms M1402fs, M1447fs.
Identifiers: ClinVar variation 817774 (VCV000817774.16), dbSNP rs766971906, ClinGen allele CA6701349.
Genomic context (GRCh38, chr12:80,329,111, plus strand): 5'-GTATACCTGTGATTCCCACAGAACCAACATTAATGCCACCAGCTAAGCCAACTGTGCCCA[TG>T]TTTACAGGTATTGTTATAATTTTAGACAACAAAAGTAGCACTATGTAGTTTAAGTGTTGG-3'